The following is an entry in ClinVar:

NM_005629.4(SLC6A8):c.1767+11C>T

Gene: SLC6A8 (solute carrier family 6 member 8; plus strand). Cytogenetic location: Xq28.
Variant type: single nucleotide variant.
Coding change: c.1767+11C>T on transcript NM_005629.4 (MANE Select); 11 bases into the intron after coding-DNA position 1767, C replaced by T.
Molecular consequence: intron variant.
Genome position (GRCh38, 1-based): chrX:153,694,900, C>T. VCF-style: chrX-153694900-C-T. GRCh37 (hg19) VCF-style: chrX-152960355-C-T.
Other names: c.1737+11C>T (NM_001142805.2); c.1422+11C>T (NM_001142806.1).
Identifiers: ClinVar variation 510851 (VCV000510851.9), dbSNP rs782709232, ClinGen allele CA10549634.

ClinVar aggregate classification (germline): Benign/Likely benign. Review status: criteria provided, multiple submitters, no conflicts (2 of 4 stars). 3 submissions from 3 submitters: Benign (1); Likely benign (2). Last evaluated 2025-12-28.

Conditions:
Creatine transporter deficiency (CCDS1). Also called: CEREBRAL CREATINE DEFICIENCY SYNDROME 1; Creatine Transporter (CRTR) Deficiency; Mental retardation , X-linked with seizures, short stature and midface hypoplasia; Mental retardation , X-linked, with creatine transport deficiency; X-linked creatine transporter deficiency; X-linked creatine deficiency syndrome. Identifiers: Orphanet 52503, MedGen C1845862, MONDO:0010305, OMIM 300352.

Allele frequency attached by ClinVar (database versions not stated): TOPMed 0.00008; ExAC 0.00011.
gnomAD v4.1: 74 of 1,100,973 alleles (0.0067%); highest among the groups gnomAD compares: Admixed American, 0.059%; no homozygotes.

Submissions (3):

Labcorp Genetics (formerly Invitae), Labcorp
Classification: Benign for Creatine transporter deficiency. Last evaluated: 2025-12-28. Review status: criteria provided, single submitter. Criteria: Invitae Variant Classification Sherloc (09022015). Collection method: clinical testing. Allele origin: germline.

Blueprint Genetics
Classification: Likely benign. Last evaluated: 2024-09-30. Review status: criteria provided, single submitter. Criteria: ACMG Guidelines, 2015. Collection method: clinical testing. Allele origin: germline.

GeneDx
Classification: Likely benign. Last evaluated: 2017-07-18. Review status: criteria provided, single submitter. Criteria: GeneDx Variant Classification (06012015). Collection method: clinical testing. Allele origin: germline. Affected: yes.
Comment: This variant is considered likely benign or benign based on one or more of the following criteria: it is a conservative change, it occurs at a poorly conserved position in the protein, it is predicted to be benign by multiple in silico algorithms, and/or has population frequency not consistent with disease.